The following is an entry in ClinVar:

ClinVar aggregate classification (germline): Uncertain significance (1 of 4 stars; one submission).

Allele frequency attached by ClinVar (database versions not stated): ExAC 0.00003; gnomAD exomes 0.00004; TOPMed 0.00004; gnomAD 0.00005; ESP Exome Variant Server 0.00008.
gnomAD v4.1: 70 of 1,600,390 alleles (0.0044%); highest among the groups gnomAD compares: South Asian, 0.012%; no homozygotes.

Submission:

Labcorp Genetics (formerly Invitae), Labcorp
Classification: Uncertain significance. Last evaluated: 2022-06-07. Review status: criteria provided, single submitter. Criteria: Invitae Variant Classification Sherloc (09022015). Collection method: clinical testing. Allele origin: germline.
Comment: This sequence change replaces arginine, which is basic and polar, with histidine, which is basic and polar, at codon 2100 of the LAMA5 protein (p.Arg2100His). This variant is present in population databases (rs141124244, gnomAD 0.02%). This variant has not been reported in the literature in individuals affected with LAMA5-related conditions. Algorithms developed to predict the effect of missense changes on protein structure and function output the following: SIFT: "Tolerated"; PolyPhen-2: "Benign"; Align-GVGD: "Class C0". The histidine amino acid residue is found in multiple mammalian species, which suggests that this missense change does not adversely affect protein function. In summary, the available evidence is currently insufficient to determine the role of this variant in disease. Therefore, it has been classified as a Variant of Uncertain Significance.

NM_005560.6(LAMA5):c.6299G>A (p.Arg2100His)

Gene: LAMA5 (laminin subunit alpha 5; minus strand). Cytogenetic location: 20q13.33.
Variant type: single nucleotide variant.
Coding change: c.6299G>A on transcript NM_005560.6 (MANE Select); coding-DNA position 6299, G replaced by A.
Protein change: p.Arg2100His; replaces arginine 2100 with histidine.
Molecular consequence: missense variant.
Genome position (GRCh38, 1-based): chr20:62,322,316, C>T on the plus strand (G>A on the coding strand, the complement: LAMA5 is on the minus strand). VCF-style: chr20-62322316-C-T. GRCh37 (hg19) VCF-style: chr20-60897372-C-T.
Other names: short protein forms R2100H.
Identifiers: ClinVar variation 1929909 (VCV001929909.5), dbSNP rs141124244, ClinGen allele CA9941818.